The following is an entry in ClinVar:

ClinVar aggregate classification (germline): Uncertain significance (1 of 4 stars; one submission).

Allele frequency attached by ClinVar (database versions not stated): gnomAD exomes below 0.00001; TOPMed 0.00001; gnomAD 0.00003.
gnomAD v4.1: 10 of 1,613,632 alleles (0.00062%); highest among the groups gnomAD compares: East Asian, 0.011%; no homozygotes.

Submission:

Labcorp Genetics (formerly Invitae), Labcorp
Classification: Uncertain significance. Last evaluated: 2023-04-30. Review status: criteria provided, single submitter. Criteria: Invitae Variant Classification Sherloc (09022015). Collection method: clinical testing. Allele origin: germline.
Comment: This sequence change replaces serine, which is neutral and polar, with leucine, which is neutral and non-polar, at codon 3501 of the HMCN1 protein (p.Ser3501Leu). This variant is present in population databases (no rsID available, gnomAD 0.007%). This missense change has been observed in individual(s) with clinical features of autosomal dominant inherited retinal dystrophy (PMID: 28512305). An algorithm developed to predict the effect of missense changes on protein structure and function (PolyPhen-2) suggests that this variant is likely to be disruptive. In summary, the available evidence is currently insufficient to determine the role of this variant in disease. Therefore, it has been classified as a Variant of Uncertain Significance.

Literature cited by the submitters: PubMed 28512305.

NM_031935.3(HMCN1):c.10502C>T (p.Ser3501Leu)

Gene: HMCN1 (hemicentin 1; plus strand). Cytogenetic location: 1q31.1.
Variant type: single nucleotide variant.
Coding change: c.10502C>T on transcript NM_031935.3 (MANE Select); coding-DNA position 10502, C replaced by T.
Protein change: p.Ser3501Leu; replaces serine 3501 with leucine.
Molecular consequence: missense variant.
Genome position (GRCh38, 1-based): chr1:186,095,450, C>T. VCF-style: chr1-186095450-C-T. GRCh37 (hg19) VCF-style: chr1-186064582-C-T.
Other names: short protein forms S3501L.
Identifiers: ClinVar variation 2723220 (VCV002723220.3), dbSNP rs1378615482, ClinGen allele CA343931162.